The following is an entry in ClinVar:

NM_173689.7(CRB2):c.2803G>A (p.Gly935Arg)

Gene: CRB2 (crumbs cell polarity complex component 2; plus strand). Cytogenetic location: 9q33.3.
Variant type: single nucleotide variant.
Coding change: c.2803G>A on transcript NM_173689.7 (MANE Select); coding-DNA position 2803, G replaced by A.
Protein change: p.Gly935Arg; replaces glycine 935 with arginine.
Molecular consequence: missense variant. On other transcripts: non-coding transcript variant (1).
Genome position (GRCh38, 1-based): chr9:123,373,334, G>A. VCF-style: chr9-123373334-G-A. GRCh37 (hg19) VCF-style: chr9-126135613-G-A.
Other names: short protein forms G935R.
Identifiers: ClinVar variation 1396067 (VCV001396067.6), dbSNP rs2042045704, ClinGen allele CA374867457.

ClinVar aggregate classification (germline): Uncertain significance (1 of 4 stars; one submission).

gnomAD v4.1: 1 of 1,443,034 alleles (0.000069%); highest among the groups gnomAD compares: East Asian, 0.003%; no homozygotes.

Submission:

Labcorp Genetics (formerly Invitae), Labcorp
Classification: Uncertain significance. Last evaluated: 2022-02-24. Review status: criteria provided, single submitter. Criteria: Invitae Variant Classification Sherloc (09022015). Collection method: clinical testing. Allele origin: germline.
Comment: This sequence change replaces glycine, which is neutral and non-polar, with arginine, which is basic and polar, at codon 935 of the CRB2 protein (p.Gly935Arg). This variant is not present in population databases (gnomAD no frequency). This variant has not been reported in the literature in individuals affected with CRB2-related conditions. Advanced modeling of protein sequence and biophysical properties (such as structural, functional, and spatial information, amino acid conservation, physicochemical variation, residue mobility, and thermodynamic stability) performed at Invitae indicates that this missense variant is not expected to disrupt CRB2 protein function. Algorithms developed to predict the effect of sequence changes on RNA splicing suggest that this variant may create or strengthen a splice site. In summary, the available evidence is currently insufficient to determine the role of this variant in disease. Therefore, it has been classified as a Variant of Uncertain Significance.